The following is an entry in ClinVar:

ClinVar aggregate classification (germline): Uncertain significance. Review status: criteria provided, multiple submitters, no conflicts (2 of 4 stars). 2 submissions from 2 submitters: Uncertain significance (2). Last evaluated 2025-09-25.

Conditions:
Primary ciliary dyskinesia. Also called: Ciliary dyskinesia. Identifiers: Orphanet 244, MedGen C0008780, MONDO:0016575, HP:0012265.

Allele frequency attached by ClinVar (database versions not stated): gnomAD exomes below 0.00001 and 0.00003; ExAC 0.00001; gnomAD 0.00003 and 0.00004; TOPMed 0.00004.
gnomAD v4.1: 55 of 1,613,844 alleles (0.0034%); highest among the groups gnomAD compares: Non-Finnish European, 0.0045%; no homozygotes.

Submissions (2):

Ambry Genetics
Classification: Uncertain significance for Primary ciliary dyskinesia. Last evaluated: 2025-09-25. Review status: criteria provided, single submitter. Criteria: Ambry Variant Classification Scheme 2023. Collection method: clinical testing. Allele origin: germline.

Laboratory for Molecular Medicine, Mass General Brigham Personalized Medicine
Classification: Uncertain significance. Last evaluated: 2015-09-30. Review status: criteria provided, single submitter. Criteria: LMM Criteria. Collection method: clinical testing. Allele origin: germline. Observed: 1 variant allele.
Comment: The p.Arg154Lys variant in CCDC40 has not been previously reported in individual s with pulmonary disease, but has been identified in 1/9704 European chromosomes by the Exome Aggregation Consortium (ExAC). Com putational prediction tools and conservation analysis suggest that this variant may not impact the protein, though this information is not predictive enough to rule out pathogenicity. In summary, the clinical significance of the p.Arg154Lys variant is uncertain.

NM_017950.4(CCDC40):c.461G>A (p.Arg154Lys)

Gene: CCDC40 (coiled-coil domain 40 molecular ruler complex subunit; plus strand). Cytogenetic location: 17q25.3.
Variant type: single nucleotide variant.
Coding change: c.461G>A on transcript NM_017950.4 (MANE Select); coding-DNA position 461, G replaced by A.
Protein change: p.Arg154Lys; replaces arginine 154 with lysine.
Molecular consequence: missense variant.
Genome position (GRCh38, 1-based): chr17:80,040,179, G>A. VCF-style: chr17-80040179-G-A. GRCh37 (hg19) VCF-style: chr17-78013978-G-A.
Other names: c.461G>A (NM_017950.3); c.461G>A, p.Arg154Lys (NM_001243342.2, NM_001330508.2); short protein forms R154K.
Identifiers: ClinVar variation 228477 (VCV000228477.4), dbSNP rs751661394, ClinGen allele CA8813445.